The following is an entry in ClinVar:

NM_000285.4(PEPD):c.1045G>A (p.Gly349Ser)

Gene: PEPD (peptidase D; minus strand). Cytogenetic location: 19q13.11.
Variant type: single nucleotide variant.
Coding change: c.1045G>A on transcript NM_000285.4 (MANE Select); coding-DNA position 1045, G replaced by A.
Protein change: p.Gly349Ser; replaces glycine 349 with serine.
Molecular consequence: missense variant.
Genome position (GRCh38, 1-based): chr19:33,391,402, C>T on the plus strand (G>A on the coding strand, the complement: PEPD is on the minus strand). VCF-style: chr19-33391402-C-T. GRCh37 (hg19) VCF-style: chr19-33882308-C-T.
Other names: c.922G>A, p.Gly308Ser (NM_001166056.2); c.853G>A, p.Gly285Ser (NM_001166057.2); short protein forms G349S, G285S, G308S.
Identifiers: ClinVar variation 328802 (VCV000328802.31), dbSNP rs765974570, ClinGen allele CA9364023.

ClinVar aggregate classification (germline): Conflicting classifications of pathogenicity. Review status: criteria provided, conflicting classifications (1 of 4 stars). 5 submissions from 5 submitters: Uncertain significance (4); Likely benign (1). Last evaluated 2024-06-17.

Conditions:
Prolidase deficiency. Identifiers: Orphanet 742, MedGen C0268532, MONDO:0008221, OMIM 170100.
Inborn genetic diseases. Identifiers: MedGen C0950123, MeSH D030342.

Allele frequency attached by ClinVar (database versions not stated): ExAC 0.00005; gnomAD 0.00006; gnomAD exomes 0.00006 and 0.00012; TOPMed 0.00010.
gnomAD v4.1: 116 of 1,585,898 alleles (0.0073%); highest among the groups gnomAD compares: Middle Eastern, 0.13%; 2 homozygotes.

Submissions (5):

Blueprint Genetics
Classification: Uncertain significance. Last evaluated: 2024-06-17. Review status: criteria provided, single submitter. Criteria: ACMG Guidelines, 2015. Collection method: clinical testing. Allele origin: germline.

CeGaT Center for Human Genetics Tuebingen
Classification: Uncertain significance. Last evaluated: 2024-02-01. Review status: criteria provided, single submitter. Criteria: CeGaT Center For Human Genetics Tuebingen Variant Classification Criteria Version 2. Collection method: clinical testing. Allele origin: germline. Affected: yes. Observed: 1 variant allele.

Ambry Genetics
Classification: Likely benign for Inborn genetic diseases. Last evaluated: 2022-08-04. Review status: criteria provided, single submitter. Criteria: Ambry Variant Classification Scheme 2023. Collection method: clinical testing. Allele origin: germline.

Labcorp Genetics (formerly Invitae), Labcorp
Classification: Uncertain significance. Last evaluated: 2022-06-27. Review status: criteria provided, single submitter. Criteria: Invitae Variant Classification Sherloc (09022015). Collection method: clinical testing. Allele origin: germline.
Comment: This sequence change replaces glycine, which is neutral and non-polar, with serine, which is neutral and polar, at codon 349 of the PEPD protein (p.Gly349Ser). This variant is present in population databases (rs765974570, gnomAD 0.2%). This variant has not been reported in the literature in individuals affected with PEPD-related conditions. ClinVar contains an entry for this variant (Variation ID: 328802). Algorithms developed to predict the effect of missense changes on protein structure and function are either unavailable or do not agree on the potential impact of this missense change (SIFT: "Tolerated"; PolyPhen-2: "Probably Damaging"; Align-GVGD: "Class C0"). Algorithms developed to predict the effect of sequence changes on RNA splicing suggest that this variant may create or strengthen a splice site. In summary, the available evidence is currently insufficient to determine the role of this variant in disease. Therefore, it has been classified as a Variant of Uncertain Significance.

Illumina Laboratory Services, Illumina
Classification: Uncertain significance for Prolidase deficiency. Last evaluated: 2018-01-13. Review status: criteria provided, single submitter. Criteria: ICSL Variant Classification Criteria 13 December 2019. Collection method: clinical testing. Allele origin: germline.